The following is an entry in ClinVar:

ClinVar aggregate classification (germline): Uncertain significance (1 of 4 stars; one submission).

Conditions:
Acute myeloid leukemia (AML). Also called: Acute myeloid leukemia, adult; AML adult; Acute non-lymphocytic leukemia; Acute granulocytic leukemia; Leukemia, acute myeloid, somatic; Leukemia, acute myelogenous, somatic. Identifiers: Orphanet 519, MedGen C0023467, MeSH D015470, MONDO:0018874, OMIM 601626, HP:0004808. Disease mechanism: Constitutively activated FLT3.

Submission:

Labcorp Genetics (formerly Invitae), Labcorp
Classification: Uncertain significance for Acute myeloid leukemia. Last evaluated: 2024-07-26. Review status: criteria provided, single submitter. Criteria: Invitae Variant Classification Sherloc (09022015). Collection method: clinical testing. Allele origin: germline.
Comment: This sequence change affects codon 270 of the CEBPA mRNA. It is a 'silent' change, meaning that it does not change the encoded amino acid sequence of the CEBPA protein. This variant is not present in population databases (gnomAD no frequency). This variant has not been reported in the literature in individuals affected with CEBPA-related conditions. In summary, the available evidence is currently insufficient to determine the role of this variant in disease. Therefore, it has been classified as a Variant of Uncertain Significance.

NM_004364.5(CEBPA):c.810C>T (p.Gly270=)

Gene: CEBPA (CCAAT enhancer binding protein alpha; minus strand). Cytogenetic location: 19q13.11.
Variant type: single nucleotide variant.
Coding change: c.810C>T on transcript NM_004364.5 (MANE Select); coding-DNA position 810, C replaced by T.
Protein change: p.Gly270=; no amino-acid change (glycine 270 retained).
Molecular consequence: synonymous variant.
Genome position (GRCh38, 1-based): chr19:33,301,605, G>A on the plus strand (C>T on the coding strand, the complement: CEBPA is on the minus strand). VCF-style: chr19-33301605-G-A. GRCh37 (hg19) VCF-style: chr19-33792511-G-A.
Other names: c.453C>T, p.Gly151= (NM_001285829.2); c.915C>T, p.Gly305= (NM_001287424.2); c.768C>T, p.Gly256= (NM_001287435.2).
Identifiers: ClinVar variation 3640356 (VCV003640356.2).